The following is an entry in ClinVar:

NM_000180.4(GUCY2D):c.3074_3075del (p.Val1025fs)

Gene: GUCY2D (guanylate cyclase 2D, retinal; plus strand). Cytogenetic location: 17p13.1.
Variant type: Microsatellite.
Coding change: c.3074_3075del on transcript NM_000180.4 (MANE Select); coding-DNA positions 3074 to 3075, 2 bases deleted (TG; older notation c.3074_3075delTG).
Protein change: p.Val1025fs; shifts the reading frame from valine 1025.
Molecular consequence: frameshift variant.
Genome position (GRCh38, 1-based): chr17:8,015,957-8,015,958, TG deleted; deleting any 2 consecutive bases within chr17:8,015,955-8,015,958 gives the same sequence; the c. name uses the placement nearest the transcript's 3' end. VCF-style (leftmost placement, unchanged base first): chr17-8015954-CTG-C. GRCh37 (hg19) VCF-style: chr17-7919272-CTG-C.
Other names: short protein forms V1025fs.
Identifiers: ClinVar variation 2944265 (VCV002944265.3), dbSNP rs2545427510, ClinGen allele CA2740095262.

ClinVar aggregate classification (germline): Pathogenic (1 of 4 stars; one submission).

Conditions:
Cone-rod dystrophy 6 (CORD6). Also called: RETINAL CONE DYSTROPHY 2; Cone dystrophy progressive. Identifiers: Orphanet 1872, MedGen C1866293, MONDO:0011143, OMIM 601777.
Leber congenital amaurosis 1 (LCA1). Also called: AMAUROSIS CONGENITA OF LEBER I; RETINAL BLINDNESS, CONGENITAL; Congenital absence of the rods and cones; Leber's congenital tapetoretinal degeneration; Leber's congenital tapetoretinal dysplasia. Identifiers: Orphanet 65, MedGen C2931258, MONDO:0008764, OMIM 204000.

Submission:

Labcorp Genetics (formerly Invitae), Labcorp
Classification: Pathogenic for Leber congenital amaurosis 1; Cone-rod dystrophy 6. Last evaluated: 2023-04-14. Review status: criteria provided, single submitter. Criteria: Invitae Variant Classification Sherloc (09022015). Collection method: clinical testing. Allele origin: germline.
Comment: This variant is not present in population databases (gnomAD no frequency). This sequence change creates a premature translational stop signal (p.Val1025Glyfs*46) in the GUCY2D gene. It is expected to result in an absent or disrupted protein product. Loss-of-function variants in GUCY2D are known to be pathogenic (PMID: 10951519, 11328726). This variant has not been reported in the literature in individuals affected with GUCY2D-related conditions. For these reasons, this variant has been classified as Pathogenic.

Literature cited by the submitters: PubMed 10951519; PubMed 11328726.